The following is an entry in ClinVar:

ClinVar aggregate classification (germline): Uncertain significance. Review status: criteria provided, multiple submitters, no conflicts (2 of 4 stars). 2 submissions from 2 submitters: Uncertain significance (2). Last evaluated 2022-11-15.

Allele frequency attached by ClinVar (database versions not stated): gnomAD exomes below 0.00001.
gnomAD v4.1: 1 of 1,614,176 alleles (0.000062%); highest among the groups gnomAD compares: Admixed American, 0.0017%; no homozygotes.

Submissions (2):

Labcorp Genetics (formerly Invitae), Labcorp
Classification: Uncertain significance. Last evaluated: 2022-11-15. Review status: criteria provided, single submitter. Criteria: Invitae Variant Classification Sherloc (09022015). Collection method: clinical testing. Allele origin: germline.
Comment: This sequence change replaces phenylalanine, which is neutral and non-polar, with leucine, which is neutral and non-polar, at codon 257 of the PPP2R5D protein (p.Phe257Leu). This variant is present in population databases (no rsID available, gnomAD 0.003%). This variant has not been reported in the literature in individuals affected with PPP2R5D-related conditions. ClinVar contains an entry for this variant (Variation ID: 1306745). Algorithms developed to predict the effect of missense changes on protein structure and function are either unavailable or do not agree on the potential impact of this missense change (SIFT: "Tolerated"; PolyPhen-2: "Possibly Damaging"; Align-GVGD: "Class C0"). In summary, the available evidence is currently insufficient to determine the role of this variant in disease. Therefore, it has been classified as a Variant of Uncertain Significance.

GeneDx
Classification: Uncertain significance. Last evaluated: 2019-07-02. Review status: criteria provided, single submitter. Criteria: GeneDx Variant Classification Process June 2021. Collection method: clinical testing. Allele origin: germline. Affected: yes.
Comment: Has not been previously published as pathogenic or benign to our knowledge; In silico analysis, which includes protein predictors and evolutionary conservation, supports a deleterious effect

NM_006245.4(PPP2R5D):c.771C>G (p.Phe257Leu)

Gene: PPP2R5D (protein phosphatase 2 regulatory subunit B'delta; plus strand). Cytogenetic location: 6p21.1.
Variant type: single nucleotide variant.
Coding change: c.771C>G on transcript NM_006245.4 (MANE Select); coding-DNA position 771, C replaced by G.
Protein change: p.Phe257Leu; replaces phenylalanine 257 with leucine.
Molecular consequence: missense variant.
Genome position (GRCh38, 1-based): chr6:43,007,979, C>G. VCF-style: chr6-43007979-C-G. GRCh37 (hg19) VCF-style: chr6-42975717-C-G.
Other names: c.318C>G, p.Phe106Leu (NM_001270476.2); c.675C>G, p.Phe225Leu (NM_180976.3); c.453C>G, p.Phe151Leu (NM_180977.3); short protein forms F106L, F151L, F225L, F257L.
Identifiers: ClinVar variation 1306745 (VCV001306745.7), dbSNP rs770485035, ClinGen allele CA364189403.